The following is an entry in ClinVar:

ClinVar aggregate classification (germline): Pathogenic (1 of 4 stars; one submission).

Conditions:
Ehlers-Danlos syndrome due to tenascin-X deficiency (EDSCLL1). Also called: Ehlers-Danlos syndrome, classic-like, 1; EHLERS-DANLOS SYNDROME, CLASSIC-LIKE; TNXB-Related Classical-Like Ehlers-Danlos Syndrome; EDS DUE TO TNX DEFICIENCY; TNX DEFICIENCY. Identifiers: Orphanet 230839, MedGen C1848029, MONDO:0011670, OMIM 606408.

Submission:

Myriad Genetics, Inc.
Classification: Pathogenic for Ehlers-Danlos syndrome due to tenascin-X deficiency. Last evaluated: 2024-05-13. Review status: criteria provided, single submitter. Criteria: Myriad Autosomal Dominant, Autosomal Recessive and X-Linked Classification Criteria (2023). Collection method: clinical testing. Allele origin: unknown.
Comment: NM_019105.6(TNXB):c.2041G>T(E681*) is expected to be pathogenic in the context of classical-like Ehlers-Danlos syndrome, TNXB-related. This variant is predicted to lead to an abnormal or absent protein product due to the creation of a premature termination codon in TNXB, a gene where loss-of-function variants are known to be pathogenic. Please note: this variant was assessed in the context of healthy population screening.

NM_001365276.2(TNXB):c.2041G>T (p.Glu681Ter)

Gene: TNXB (tenascin XB; minus strand). Cytogenetic location: 6p21.33.
Variant type: single nucleotide variant.
Coding change: c.2041G>T on transcript NM_001365276.2 (MANE Select); coding-DNA position 2041, G replaced by T.
Protein change: p.Glu681Ter; replaces glutamic acid 681 with a stop codon.
Molecular consequence: nonsense.
Genome position (GRCh38, 1-based): chr6:32,095,812, C>A on the plus strand (G>T on the coding strand, the complement: TNXB is on the minus strand). VCF-style: chr6-32095812-C-A. GRCh37 (hg19) VCF-style: chr6-32063589-C-A.
Other names: c.2041G>T, p.Glu681Ter (NM_001428335.1, NM_019105.8); short protein forms E681*.
Identifiers: ClinVar variation 5013045 (VCV005013045.1).